The following is an entry in ClinVar:

NM_003640.5(ELP1):c.1855-7_1855-4delinsAGAC

Gene: ELP1 (elongator acetyltransferase complex subunit 1; minus strand). Cytogenetic location: 9q31.3.
Variant type: Indel.
Coding change: c.1855-7_1855-4delinsAGAC on transcript NM_003640.5 (MANE Select); 7 bases into the intron before coding-DNA position 1855 through 4 bases into the intron before coding-DNA position 1855, TTTG replaced by AGAC.
Molecular consequence: intron variant.
Genome position (GRCh38, 1-based): chr9:108,901,685-108,901,688, CAAA replaced by GTCT on the plus strand (TTTG replaced by AGAC on the coding strand, the reverse complement: ELP1 is on the minus strand). VCF-style: chr9-108901685-CAAA-GTCT. GRCh37 (hg19) VCF-style: chr9-111663965-CAAA-GTCT.
Other names: c.1513-7_1513-4delinsAGAC (NM_001318360.2); c.808-7_808-4delinsAGAC (NM_001330749.2).
Identifiers: ClinVar variation 3718324 (VCV003718324.2).

ClinVar aggregate classification (germline): Uncertain significance (1 of 4 stars; one submission).

Submission:

Labcorp Genetics (formerly Invitae), Labcorp
Classification: Uncertain significance. Last evaluated: 2024-08-17. Review status: criteria provided, single submitter. Criteria: Invitae Variant Classification Sherloc (09022015). Collection method: clinical testing. Allele origin: germline.
Comment: This sequence change falls in intron 16 of the ELP1 gene. It does not directly change the encoded amino acid sequence of the ELP1 protein. Information on the frequency of this variant in the gnomAD database is not available, as this variant may be reported differently in the database. This variant has not been reported in the literature in individuals affected with ELP1-related conditions. In summary, the available evidence is currently insufficient to determine the role of this variant in disease. Therefore, it has been classified as a Variant of Uncertain Significance.